The following is an entry in ClinVar:

NM_001378964.1(CDON):c.2051C>G (p.Thr684Ser)

Gene: CDON (cell adhesion associated, oncogene regulated; minus strand). Cytogenetic location: 11q24.2.
Variant type: single nucleotide variant.
Coding change: c.2051C>G on transcript NM_001378964.1 (MANE Select); coding-DNA position 2051, C replaced by G.
Protein change: p.Thr684Ser; replaces threonine 684 with serine.
Molecular consequence: missense variant.
Genome position (GRCh38, 1-based): chr11:126,001,826, G>C on the plus strand (C>G on the coding strand, the complement: CDON is on the minus strand). VCF-style: chr11-126001826-G-C. GRCh37 (hg19) VCF-style: chr11-125871721-G-C.
Other names: c.2051C>G, p.Thr684Ser (NM_001243597.3, NM_016952.6); short protein forms T684S.
Identifiers: ClinVar variation 303504 (VCV000303504.48), dbSNP rs145983470, ClinGen allele CA6351855.

ClinVar aggregate classification (germline): Benign/Likely benign. Review status: criteria provided, multiple submitters, no conflicts (2 of 4 stars). 6 submissions from 6 submitters: Benign (2); Likely benign (3). 1 of the submissions does not count toward it. Last evaluated 2026-09-01.

Conditions:
Holoprosencephaly 11 (HPE11). Identifiers: Orphanet 2162, MedGen C3280215, MONDO:0013642, OMIM 614226.
CDON-related disorder. Also called: CDON-related condition.

Allele frequency attached by ClinVar (database versions not stated): 1000 Genomes Project 30x 0.00172; 1000 Genomes Project 0.00180; TOPMed 0.00496; gnomAD 0.00607 and 0.00624; ESP Exome Variant Server 0.00677; ExAC 0.00681; gnomAD exomes 0.00693 and 0.00787.
gnomAD v4.1: 12,322 of 1,607,342 alleles (0.77%); highest among the groups gnomAD compares: Non-Finnish European, 0.83%; 66 homozygotes.

Submissions (6):

CeGaT Center for Human Genetics Tuebingen
Classification: Likely benign. Last evaluated: 2026-09-01. Review status: criteria provided, single submitter. Criteria: CeGaT Center For Human Genetics Tuebingen Variant Classification Criteria Version 2. Collection method: clinical testing. Allele origin: germline. Affected: yes. Observed: 16 variant alleles.
Comment: CDON: BP4, BS2

Labcorp Genetics (formerly Invitae), Labcorp
Classification: Benign for Holoprosencephaly 11. Last evaluated: 2026-01-12. Review status: criteria provided, single submitter. Criteria: Invitae Variant Classification Sherloc (09022015). Collection method: clinical testing. Allele origin: germline.

Illumina Laboratory Services, Illumina
Classification: Benign for Holoprosencephaly 11. Last evaluated: 2018-03-06. Review status: criteria provided, single submitter. Criteria: ICSL Variant Classification Criteria 13 December 2019. Collection method: clinical testing. Allele origin: germline.
Comment: This variant was observed in the ICSL laboratory as part of a predisposition screen in an ostensibly healthy population. It had not been previously curated by ICSL or reported in the Human Gene Mutation Database (HGMD: prior to June 1st, 2018), and was therefore a candidate for classification through an automated scoring system. Utilizing variant allele frequency, disease prevalence and penetrance estimates, and inheritance mode, an automated score was calculated to assess if this variant is too frequent to cause the disease. Based on the score and internal cut-off values, a variant classified as benign is not then subjected to further curation. The score for this variant resulted in a classification of benign for this disease.

Center for Pediatric Genomic Medicine, Children's Mercy Hospital and Clinics
Classification: Likely benign. Last evaluated: 2017-05-09. Review status: criteria provided, single submitter. Criteria: ACMG Guidelines, 2015. Collection method: clinical testing. Allele origin: germline.

Breakthrough Genomics
Classification: Likely benign. Review status: criteria provided, single submitter. Criteria: ACMG Guidelines, 2015. Collection method: not provided. Allele origin: germline. Inheritance: Autosomal dominant inheritance. Affected: yes.

PreventionGenetics, part of Exact Sciences
Classification: Benign for CDON-related condition. Last evaluated: 2019-05-06. Review status: no assertion criteria provided. Collection method: clinical testing. Allele origin: germline. Not counted in ClinVar's aggregate classification.
Comment: This variant is classified as benign based on ACMG/AMP sequence variant interpretation guidelines (Richards et al. 2015 PMID: 25741868, with internal and published modifications).